The following is an entry in ClinVar:

NM_004990.4(MARS1):c.2227G>A (p.Gly743Ser)

Gene: MARS1 (methionyl-tRNA synthetase 1; plus strand). Cytogenetic location: 12q13.3.
Variant type: single nucleotide variant.
Coding change: c.2227G>A on transcript NM_004990.4 (MANE Select); coding-DNA position 2227, G replaced by A.
Protein change: p.Gly743Ser; replaces glycine 743 with serine.
Molecular consequence: missense variant.
Genome position (GRCh38, 1-based): chr12:57,515,172, G>A. VCF-style: chr12-57515172-G-A. GRCh37 (hg19) VCF-style: chr12-57908955-G-A.
Other names: short protein forms G743S.
Identifiers: ClinVar variation 2921514 (VCV002921514.3), dbSNP rs2540319506, ClinGen allele CA385465993.

ClinVar aggregate classification (germline): Uncertain significance (1 of 4 stars; one submission).

Conditions:
Charcot-Marie-Tooth disease axonal type 2U. Also called: CHARCOT-MARIE-TOOTH NEUROPATHY, TYPE 2U; CHARCOT-MARIE-TOOTH DISEASE, AXONAL, AUTOSOMAL DOMINANT, TYPE 2U. Identifiers: Orphanet 397735, MedGen C4084821, MONDO:0014566, OMIM 616280.
Severe early-onset pulmonary alveolar proteinosis due to MARS deficiency. Also called: PULMONARY ALVEOLAR PROTEINOSIS, REUNION ISLAND; Interstitial lung and liver disease. Identifiers: Orphanet 440427, MedGen C4225400, MONDO:0014206, OMIM 615486.

Allele frequency attached by ClinVar (database versions not stated): gnomAD exomes below 0.00001.
gnomAD v4.1: 1 of 1,614,170 alleles (0.000062%); highest among the groups gnomAD compares: Non-Finnish European, 0.000085%; no homozygotes.

Submission:

Labcorp Genetics (formerly Invitae), Labcorp
Classification: Uncertain significance for Charcot-Marie-Tooth disease axonal type 2U; Severe early-onset pulmonary alveolar proteinosis due to MARS deficiency. Last evaluated: 2023-12-17. Review status: criteria provided, single submitter. Criteria: Invitae Variant Classification Sherloc (09022015). Collection method: clinical testing. Allele origin: germline.
Comment: This sequence change replaces glycine, which is neutral and non-polar, with serine, which is neutral and polar, at codon 743 of the MARS protein (p.Gly743Ser). This variant is not present in population databases (gnomAD no frequency). This variant has not been reported in the literature in individuals affected with MARS-related conditions. An algorithm developed to predict the effect of missense changes on protein structure and function (PolyPhen-2) suggests that this variant is likely to be tolerated. In summary, the available evidence is currently insufficient to determine the role of this variant in disease. Therefore, it has been classified as a Variant of Uncertain Significance.